The following is an entry in ClinVar:

NM_000557.5(GDF5):c.691_693del (p.Lys231del)

Gene: GDF5 (growth differentiation factor 5; minus strand). Cytogenetic location: 20q11.22.
Variant type: Deletion.
Coding change: c.691_693del on transcript NM_000557.5 (MANE Select); coding-DNA positions 691 to 693, 3 bases deleted (AAG; older notation c.691_693delAAG).
Protein change: p.Lys231del; deletes lysine 231.
Molecular consequence: inframe deletion.
Genome position (GRCh38, 1-based): chr20:35,434,722-35,434,724, CTT deleted on the plus strand (AAG on the coding strand, the reverse complement: GDF5 is on the minus strand); deleting any 3 consecutive bases within chr20:35,434,722-35,434,726 gives the same sequence; the c. name uses the placement nearest the transcript's 3' end. VCF-style (leftmost placement, unchanged base first): chr20-35434721-CCTT-C. GRCh37 (hg19) VCF-style: chr20-34022519-CCTT-C.
Other names: c.691_693del, p.Lys231del (NM_001319138.2); short protein forms K231del.
Identifiers: ClinVar variation 2116521 (VCV002116521.1), dbSNP rs1568732204, ClinGen allele CA920206316.

ClinVar aggregate classification (germline): Uncertain significance (1 of 4 stars; one submission).

Submission:

Labcorp Genetics (formerly Invitae), Labcorp
Classification: Uncertain significance. Last evaluated: 2022-06-14. Review status: criteria provided, single submitter. Criteria: Invitae Variant Classification Sherloc (09022015). Collection method: clinical testing. Allele origin: germline.
Comment: This variant, c.691_693del, results in the deletion of 1 amino acid(s) of the GDF5 protein (p.Lys231del), but otherwise preserves the integrity of the reading frame. This variant is not present in population databases (gnomAD no frequency). This variant has not been reported in the literature in individuals affected with GDF5-related conditions. Experimental studies and prediction algorithms are not available or were not evaluated, and the functional significance of this variant is currently unknown. In summary, the available evidence is currently insufficient to determine the role of this variant in disease. Therefore, it has been classified as a Variant of Uncertain Significance.